The following is an entry in ClinVar:

ClinVar aggregate classification (germline): Uncertain significance (1 of 4 stars; one submission).

Conditions:
Dilated cardiomyopathy 1AA (CMD1AA). Also called: Cardiomyopathy, dilated, 1AA, with or without LVNC; CARDIOMYOPATHY, DILATED, 1AA, WITH OR WITHOUT LEFT VENTRICULAR NONCOMPACTION; CARDIOMYOPATHY, FAMILIAL HYPERTROPHIC, 23, WITH OR WITHOUT LEFT VENTRICULAR NONCOMPACTION. Identifiers: Orphanet 154, MedGen C2677338, MONDO:0012808, OMIM 612158.
Primary familial hypertrophic cardiomyopathy (HCM). Identifiers: Orphanet 99739, MedGen C0949658, MeSH D024741, MONDO:0024573. Inheritance: Various modes of inheritance.

Submission:

Labcorp Genetics (formerly Invitae), Labcorp
Classification: Uncertain significance for Primary familial hypertrophic cardiomyopathy; Dilated cardiomyopathy 1AA. Last evaluated: 2017-06-21. Review status: criteria provided, single submitter. Criteria: Invitae Variant Classification Sherloc (09022015). Collection method: clinical testing. Allele origin: germline.
Comment: In summary, this variant has uncertain impact on ACTN2 function. The available evidence is currently insufficient to determine its role in disease. Therefore, it has been classified as a Variant of Uncertain Significance. Algorithms developed to predict the effect of missense changes on protein structure and function do not agree on the potential impact of this missense change (SIFT: "Deleterious"; PolyPhen-2: "Benign"; Align-GVGD: "Class C25"). This variant has not been reported in the literature in individuals with a ACTN2-related disease. This variant is not present in population databases (ExAC no frequency). This sequence change replaces isoleucine with valine at codon 234 of the ACTN2 protein (p.Ile234Val). The isoleucine residue is highly conserved and there is a small physicochemical difference between isoleucine and valine.

NM_001103.4(ACTN2):c.700A>G (p.Ile234Val)

Gene: ACTN2 (actinin alpha 2; plus strand). Cytogenetic location: 1q43.
Variant type: single nucleotide variant.
Coding change: c.700A>G on transcript NM_001103.4 (MANE Select); coding-DNA position 700, A replaced by G.
Protein change: p.Ile234Val; replaces isoleucine 234 with valine.
Molecular consequence: missense variant. On other transcripts: 5 prime UTR variant (1), intron variant (1).
Genome position (GRCh38, 1-based): chr1:236,735,637, A>G. VCF-style: chr1-236735637-A-G. GRCh37 (hg19) VCF-style: chr1-236898937-A-G.
Other names: c.-36A>G (NM_001278344.2); c.783+1119A>G (NM_001278343.2); short protein forms I234V.
Identifiers: ClinVar variation 463215 (VCV000463215.9), dbSNP rs794728963, ClinGen allele CA345377262.